The following is an entry in ClinVar:

NM_001754.5(RUNX1):c.701C>T (p.Thr234Ile)

Gene: RUNX1 (RUNX family transcription factor 1; minus strand). Cytogenetic location: 21q22.12.
Variant type: single nucleotide variant.
Coding change: c.701C>T on transcript NM_001754.5 (MANE Select); coding-DNA position 701, C replaced by T.
Protein change: p.Thr234Ile; replaces threonine 234 with isoleucine.
Molecular consequence: missense variant.
Genome position (GRCh38, 1-based): chr21:34,834,514, G>A on the plus strand (C>T on the coding strand, the complement: RUNX1 is on the minus strand). VCF-style: chr21-34834514-G-A. GRCh37 (hg19) VCF-style: chr21-36206811-G-A.
Other names: NM_001754.5(RUNX1):c.701C>T; p.Thr234Ile; c.620C>T, p.Thr207Ile (NM_001001890.3, NM_001122607.2); short protein forms T207I, T234I.
Identifiers: ClinVar variation 2121324 (VCV002121324.6), dbSNP rs777161188, ClinGen allele CA10014372.

ClinVar aggregate classification (germline): Uncertain significance. Review status: reviewed by expert panel (3 of 4 stars). 3 submissions from 3 submitters: Uncertain significance (1). 2 of the submissions do not count toward it. Last evaluated 2025-02-25.

Conditions:
Hereditary thrombocytopenia and hematological cancer predisposition syndrome associated with RUNX1. Also called: Familial Platelet Disorder with Propensity to Acute Myelogenous Leukemia; Familial thrombocytopenia with propensity to acute myelogenous leukemia; PLATELET DISORDER, ASPIRIN-LIKE; RUNX1 Familial Platelet Disorder with Associated Myeloid Malignancies. Identifiers: Orphanet 71290, MedGen C1832388, MeSH C563324, MONDO:0100083, OMIM 601399.
Hereditary thrombocytopenia and hematologic cancer predisposition syndrome. Identifiers: Orphanet 71290, MedGen CN281654, MONDO:0011071.
Inborn genetic diseases. Identifiers: MedGen C0950123, MeSH D030342.

Allele frequency attached by ClinVar (database versions not stated): gnomAD exomes below 0.00001; ExAC 0.00001.
gnomAD v4.1: 1 of 1,613,382 alleles (0.000062%); highest among the groups gnomAD compares: South Asian, 0.0011%; no homozygotes.

Submissions (3):

ClinGen Myeloid Malignancy Variant Curation Expert Panel
Classification: Uncertain significance for Hereditary thrombocytopenia and hematologic cancer predisposition syndrome. Last evaluated: 2025-02-25. Review status: reviewed by expert panel. Criteria: ClinGen MyeloMalig ACMG Specifications v2. Collection method: curation. Allele origin: germline. Inheritance: Autosomal dominant inheritance.
Comment: NM_001754.5(RUNX1):c.701C>T (p.Thr234Ile) is a missense variant which does not meet any ACMG/AMP criteria. In summary, the clinical significance of this variant is uncertain. ACMG/AMP criteria applied, as specified by the Myeloid Malignancy Variant Curation Expert Panel for RUNX1: None.

Ambry Genetics
Classification: Uncertain significance for Inborn genetic diseases. Last evaluated: 2025-10-10. Review status: criteria provided, single submitter. Criteria: Ambry Variant Classification Scheme 2023. Collection method: clinical testing. Allele origin: germline. Not counted in ClinVar's aggregate classification.
Comment: The p.T234I variant (also known as c.701C>T), located in coding exon 6 of the RUNX1 gene, results from a C to T substitution at nucleotide position 701. The threonine at codon 234 is replaced by isoleucine, an amino acid with similar properties. This amino acid position is highly conserved in available vertebrate species. In addition, this alteration is predicted to be deleterious by in silico analysis. Based on the available evidence, the clinical significance of this variant remains unclear.

Labcorp Genetics (formerly Invitae), Labcorp
Classification: Uncertain significance for Hereditary thrombocytopenia and hematological cancer predisposition syndrome associated with RUNX1. Last evaluated: 2022-04-04. Review status: criteria provided, single submitter. Criteria: Invitae Variant Classification Sherloc (09022015). Collection method: clinical testing. Allele origin: germline. Not counted in ClinVar's aggregate classification.
Comment: In summary, the available evidence is currently insufficient to determine the role of this variant in disease. Therefore, it has been classified as a Variant of Uncertain Significance. Algorithms developed to predict the effect of missense changes on protein structure and function are either unavailable or do not agree on the potential impact of this missense change (SIFT: "Deleterious"; PolyPhen-2: "Possibly Damaging"; Align-GVGD: "Class C0"). This variant has not been reported in the literature in individuals affected with RUNX1-related conditions. This variant is not present in population databases (gnomAD no frequency). This sequence change replaces threonine, which is neutral and polar, with isoleucine, which is neutral and non-polar, at codon 234 of the RUNX1 protein (p.Thr234Ile).